The following is an entry in ClinVar:

ClinVar aggregate classification (germline): Uncertain significance. Review status: criteria provided, multiple submitters, no conflicts (2 of 4 stars). 2 submissions from 2 submitters: Uncertain significance (2). Last evaluated 2021-09-01.

Conditions:
Biotinidase deficiency. Also called: BTD deficiency; Late-onset biotin-responsive multiple carboxylase deficiency; Biotin deficiency. Identifiers: Orphanet 79241, MedGen C0220754, MONDO:0009665, OMIM 253260.

Allele frequency attached by ClinVar (database versions not stated): gnomAD below 0.00001 and 0.00001; TOPMed below 0.00001; gnomAD exomes 0.00004 and 0.00008; ExAC 0.00008.
gnomAD v4.1: 57 of 1,614,032 alleles (0.0035%); highest among the groups gnomAD compares: South Asian, 0.054%; 1 homozygote.

Submissions (2):

Labcorp Genetics (formerly Invitae), Labcorp
Classification: Uncertain significance for Biotinidase deficiency. Last evaluated: 2021-09-01. Review status: criteria provided, single submitter. Criteria: Invitae Variant Classification Sherloc (09022015). Collection method: clinical testing. Allele origin: germline.
Comment: This sequence change replaces valine with isoleucine at codon 442 of the BTD protein (p.Val442Ile). The valine residue is moderately conserved and there is a small physicochemical difference between valine and isoleucine. This variant is present in population databases (rs776369447, ExAC 0.06%). This variant has not been reported in the literature in individuals affected with BTD-related conditions. ClinVar contains an entry for this variant (Variation ID: 289111). Algorithms developed to predict the effect of missense changes on protein structure and function output the following: SIFT: "Tolerated"; PolyPhen-2: "Benign"; Align-GVGD: "Class C0". The isoleucine amino acid residue is found in multiple mammalian species, which suggests that this missense change does not adversely affect protein function. In summary, the available evidence is currently insufficient to determine the role of this variant in disease. Therefore, it has been classified as a Variant of Uncertain Significance.

Eurofins Ntd Llc (ga)
Classification: Uncertain significance. Last evaluated: 2016-06-22. Review status: criteria provided, single submitter. Criteria: EGL Classification Definitions 2015. Collection method: clinical testing. Allele origin: germline. Observed: 1 variant allele, 1 heterozygote.

NM_001370658.1(BTD):c.1264G>A (p.Val422Ile)

Gene: BTD (biotinidase; plus strand). Cytogenetic location: 3p25.1.
Variant type: single nucleotide variant.
Coding change: c.1264G>A on transcript NM_001370658.1 (MANE Select); coding-DNA position 1264, G replaced by A.
Protein change: p.Val422Ile; replaces valine 422 with isoleucine.
Molecular consequence: missense variant. On other transcripts: intron variant (8).
Genome position (GRCh38, 1-based): chr3:15,645,180, G>A. VCF-style: chr3-15645180-G-A. GRCh37 (hg19) VCF-style: chr3-15686687-G-A.
Other names: c.1264G>A, p.Val422Ile (NM_001281723.4, NM_001281724.3, NM_001281725.3 and 16 more transcripts); c.1015+249G>A (NM_001370752.1, NM_001407379.1); c.399+3123G>A (NM_001370753.1, NM_001407400.1, NM_001407380.1 and 3 more transcripts); short protein forms V422I.
Identifiers: ClinVar variation 289111 (VCV000289111.12), dbSNP rs776369447, ClinGen allele CA2277457.
Genomic context (GRCh38, chr3:15,645,180, plus strand): 5'-CTCTGCTGTTATTTACTTTACGAGAGGCCCACCTTATCCAAAGAGCTGTATGCCCTGGGG[G>A]TCTTTGATGGGCTTCACACAGTACATGGCACTTACTACATCCAAGTGTGTGCCCTGGTCA-3'
Protein context (NP_001357587.1, residues 412-432): TLSKELYALG[Val422Ile]FDGLHTVHGT